The following is an entry in ClinVar:

ClinVar aggregate classification (germline): Benign. Review status: criteria provided, multiple submitters, no conflicts (2 of 4 stars). 2 submissions from 2 submitters: Benign (2). Last evaluated 2018-06-14.

Allele frequency attached by ClinVar (database versions not stated): 1000 Genomes Project 30x 0.60290; 1000 Genomes Project 0.60443; TOPMed 0.64842; gnomAD 0.66272 and 0.66384.
gnomAD v4.1: 1,116,047 of 1,527,490 alleles (73%); highest among the groups gnomAD compares: Admixed American, 79%; 413,531 homozygotes.

Submissions (2):

GeneDx
Classification: Benign. Last evaluated: 2018-06-14. Review status: criteria provided, single submitter. Criteria: GeneDx Variant Classification (06012015). Collection method: clinical testing. Allele origin: germline. Affected: yes.
Comment: This variant is considered likely benign or benign based on one or more of the following criteria: it is a conservative change, it occurs at a poorly conserved position in the protein, it is predicted to be benign by multiple in silico algorithms, and/or has population frequency not consistent with disease.

Breakthrough Genomics
Classification: Benign. Review status: criteria provided, single submitter. Criteria: ACMG Guidelines, 2015. Collection method: not provided. Allele origin: germline. Inheritance: Autosomal recessive inheritance. Affected: yes.

NM_015072.5(TTLL5):c.1187-56G>T

Gene: TTLL5 (tubulin tyrosine ligase like 5; plus strand). Cytogenetic location: 14q24.3.
Variant type: single nucleotide variant.
Coding change: c.1187-56G>T on transcript NM_015072.5 (MANE Select); 56 bases into the intron before coding-DNA position 1187, G replaced by T.
Molecular consequence: intron variant.
Genome position (GRCh38, 1-based): chr14:75,735,139, G>T. VCF-style: chr14-75735139-G-T. GRCh37 (hg19) VCF-style: chr14-76201482-G-T.
Identifiers: ClinVar variation 677190 (VCV000677190.2), dbSNP rs2288141, ClinGen allele CA14069877.